The following is an entry in ClinVar:

ClinVar aggregate classification (germline): Uncertain significance (1 of 4 stars; one submission).

Submission:

Labcorp Genetics (formerly Invitae), Labcorp
Classification: Uncertain significance. Last evaluated: 2021-07-16. Review status: criteria provided, single submitter. Criteria: Invitae Variant Classification Sherloc (09022015). Collection method: clinical testing. Allele origin: germline.
Comment: In summary, the available evidence is currently insufficient to determine the role of this variant in disease. Therefore, it has been classified as a Variant of Uncertain Significance. Algorithms developed to predict the effect of missense changes on protein structure and function (SIFT, PolyPhen-2, Align-GVGD) all suggest that this variant is likely to be disruptive. This variant has not been reported in the literature in individuals affected with KIF2A-related conditions. This variant is not present in population databases (ExAC no frequency). This sequence change replaces tyrosine with histidine at codon 278 of the KIF2A protein (p.Tyr278His). The tyrosine residue is highly conserved and there is a moderate physicochemical difference between tyrosine and histidine.

NM_001098511.3(KIF2A):c.832T>C (p.Tyr278His)

Gene: KIF2A (kinesin family member 2A; plus strand). Cytogenetic location: 5q12.1.
Variant type: single nucleotide variant.
Coding change: c.832T>C on transcript NM_001098511.3 (MANE Select); coding-DNA position 832, T replaced by C.
Protein change: p.Tyr278His; replaces tyrosine 278 with histidine.
Molecular consequence: missense variant.
Genome position (GRCh38, 1-based): chr5:62,358,259, T>C. VCF-style: chr5-62358259-T-C. GRCh37 (hg19) VCF-style: chr5-61654086-T-C.
Other names: c.751T>C, p.Tyr251His (NM_001243952.2); c.775T>C, p.Tyr259His (NM_001243953.2); c.832T>C, p.Tyr278His (NM_004520.5); short protein forms Y259H, Y278H, Y251H.
Identifiers: ClinVar variation 1515696 (VCV001515696.8), dbSNP rs2111942305, ClinGen allele CA359950024.
Genomic context (GRCh38, chr5:62,358,259, plus strand): 5'-GAACCAAAACAAAAAGTAGATTTAACAAGGTACCTAGAAAACCAAACATTTCGTTTTGAT[T>C]ATGCCTTTGATGACTCAGCTCCTAATGAAATGGTTTACAGGTAGGTAAATTCATTTTAAA-3'
Protein context (NP_001091981.1, residues 268-288): YLENQTFRFD[Tyr278His]AFDDSAPNEM